The following is an entry in ClinVar:

ClinVar aggregate classification (germline): Pathogenic/Likely pathogenic. Review status: criteria provided, multiple submitters, no conflicts (2 of 4 stars). 3 submissions from 3 submitters: Pathogenic (1); Likely pathogenic (2). Last evaluated 2023-11-27.

Conditions:
Bethlem myopathy 1A. Also called: Bethlem myopathy 1; MYOPATHY, BENIGN CONGENITAL, WITH CONTRACTURES; Bethlem Muscular Dystrophy. Identifiers: Orphanet 610, MedGen CN029274, MONDO:0024530, OMIM 158810.

Submissions (3):

Labcorp Genetics (formerly Invitae), Labcorp
Classification: Pathogenic for Bethlem myopathy 1A. Last evaluated: 2023-11-27. Review status: criteria provided, single submitter. Criteria: Invitae Variant Classification Sherloc (09022015). Collection method: clinical testing. Allele origin: germline.
Comment: This sequence change replaces glycine, which is neutral and non-polar, with glutamic acid, which is acidic and polar, at codon 305 of the COL6A1 protein (p.Gly305Glu). This variant is not present in population databases (gnomAD no frequency). This missense change has been observed in individual(s) with COL6A1-related conditions (Invitae). In at least one individual the variant was observed to be de novo. ClinVar contains an entry for this variant (Variation ID: 283690). Advanced modeling of protein sequence and biophysical properties (such as structural, functional, and spatial information, amino acid conservation, physicochemical variation, residue mobility, and thermodynamic stability) performed at Invitae indicates that this missense variant is expected to disrupt COL6A1 protein function with a positive predictive value of 95%. This variant disrupts the triple helix domain of COL6A1. Glycine residues within the Gly-Xaa-Yaa repeats of the triple helix domain are required for the structure and stability of fibrillar collagens (PMID: 7695699, 8218237, 19344236). In COL6A1, variants at these glycine residues are significantly enriched in individuals with autosomal dominant disease (PMID: 15689448, 24038877) compared to the general population (ExAC). For these reasons, this variant has been classified as Pathogenic.

Revvity Omics, Revvity
Classification: Likely pathogenic. Last evaluated: 2019-12-09. Review status: criteria provided, single submitter. Criteria: ACMG Guidelines, 2015. Collection method: clinical testing. Allele origin: germline.

Eurofins Ntd Llc (ga)
Classification: Likely pathogenic. Last evaluated: 2015-10-13. Review status: criteria provided, single submitter. Criteria: EGL Classification Definitions 2015. Collection method: clinical testing. Allele origin: germline. Observed: 1 variant allele, 1 heterozygote.

Literature cited by the submitters: PubMed 7695699 (cited by Labcorp Genetics (formerly Invitae), Labcorp); PubMed 8218237 (cited by Labcorp Genetics (formerly Invitae), Labcorp); PubMed 19344236 (cited by Labcorp Genetics (formerly Invitae), Labcorp); PubMed 15689448 (cited by Labcorp Genetics (formerly Invitae), Labcorp); PubMed 24038877 (cited by Labcorp Genetics (formerly Invitae), Labcorp).

NM_001848.3(COL6A1):c.914G>A (p.Gly305Glu)

Gene: COL6A1 (collagen type VI alpha 1 chain; plus strand). Cytogenetic location: 21q22.3.
Variant type: single nucleotide variant.
Coding change: c.914G>A on transcript NM_001848.3 (MANE Select); coding-DNA position 914, G replaced by A.
Protein change: p.Gly305Glu; replaces glycine 305 with glutamic acid.
Molecular consequence: missense variant.
Genome position (GRCh38, 1-based): chr21:45,989,762, G>A. VCF-style: chr21-45989762-G-A. GRCh37 (hg19) VCF-style: chr21-47409676-G-A.
Other names: short protein forms G305E.
Identifiers: ClinVar variation 283690 (VCV000283690.17), dbSNP rs886042684, ClinGen allele CA10604561.
Genomic context (GRCh38, chr21:45,989,762, plus strand): 5'-GCACAGCACTAACAAGCCTTCCTCTTCCTCTTCTTCCGCTGGGTGTGTAGGGAGAAAAAG[G>A]GAGCCGTGGGGAGAAGGTGAGTGAGGCTCGACCTCGGAGCTGGTCTCTCCAGGCGCAGAT-3'
Protein context (NP_001839.2, residues 295-315): VGYQGMKGEK[Gly305Glu]SRGEKGSRGP